The following is an entry in ClinVar:

NM_181882.3(PRX):c.1971G>A (p.Val657=)

Gene: PRX (periaxin; minus strand). Cytogenetic location: 19q13.2.
Variant type: single nucleotide variant.
Coding change: c.1971G>A on transcript NM_181882.3 (MANE Select); coding-DNA position 1971, G replaced by A.
Protein change: p.Val657=; no amino-acid change (valine 657 retained).
Molecular consequence: synonymous variant. On other transcripts: 3 prime UTR variant (1).
Genome position (GRCh38, 1-based): chr19:40,396,381, C>T on the plus strand (G>A on the coding strand, the complement: PRX is on the minus strand). VCF-style: chr19-40396381-C-T. GRCh37 (hg19) VCF-style: chr19-40902288-C-T.
Other names: c.*2176G>A (NM_020956.2); c.1971G>A (NM_181882.2).
Identifiers: ClinVar variation 1145579 (VCV001145579.10), dbSNP rs766837777, ClinGen allele CA308419899.

ClinVar aggregate classification (germline): Likely benign. Review status: criteria provided, multiple submitters, no conflicts (2 of 4 stars). 2 submissions from 2 submitters: Likely benign (2). Last evaluated 2026-05-25.

Conditions:
PRX-related disorder. Also called: PRX-Related Disorders; PRX-related condition.
Charcot-Marie-Tooth disease type 4. Also called: Charcot-Marie-Tooth, Type 4; Charcot-Marie-Tooth disease, type IV. Identifiers: Orphanet 64749, MedGen C4082197, MONDO:0018995.

Allele frequency attached by ClinVar (database versions not stated): gnomAD 0.00001.
gnomAD v4.1: 18 of 1,613,238 alleles (0.0011%); highest among the groups gnomAD compares: Admixed American, 0.0017%; no homozygotes.

Submissions (2):

PreventionGenetics, part of Exact Sciences
Classification: Likely benign for PRX-related condition. Last evaluated: 2026-05-25. Review status: criteria provided, single submitter. Criteria: ACMG Guidelines, 2015. Collection method: clinical testing. Allele origin: germline.
Comment: This variant is classified as likely benign based on ACMG/AMP sequence variant interpretation guidelines (Richards et al. 2015 PMID: 25741868, with internal and published modifications).

Labcorp Genetics (formerly Invitae), Labcorp
Classification: Likely benign for Charcot-Marie-Tooth disease type 4. Last evaluated: 2020-08-08. Review status: criteria provided, single submitter. Criteria: Invitae Variant Classification Sherloc (09022015). Collection method: clinical testing. Allele origin: germline.